The following is an entry in ClinVar:

ClinVar aggregate classification (germline): Uncertain significance. Review status: criteria provided, multiple submitters, no conflicts (2 of 4 stars). 2 submissions from 2 submitters: Uncertain significance (2). Last evaluated 2025-09-26.

Conditions:
COG4-congenital disorder of glycosylation. Also called: CONGENITAL DISORDER OF GLYCOSYLATION, TYPE IIj; CDG IIj; COG4-CDG. Identifiers: Orphanet 263501, MedGen C4303552, MONDO:0013281, OMIM 613489.
Inborn genetic diseases. Identifiers: MedGen C0950123, MeSH D030342.

Allele frequency attached by ClinVar (database versions not stated): TOPMed 0.00002; gnomAD 0.00003; ExAC 0.00013.
gnomAD v4.1: 62 of 1,614,056 alleles (0.0038%); highest among the groups gnomAD compares: South Asian, 0.032%; no homozygotes.

Submissions (2):

Ambry Genetics
Classification: Uncertain significance for Inborn genetic diseases. Last evaluated: 2025-09-26. Review status: criteria provided, single submitter. Criteria: Ambry Variant Classification Scheme 2023. Collection method: clinical testing. Allele origin: germline.

Labcorp Genetics (formerly Invitae), Labcorp
Classification: Uncertain significance for COG4-congenital disorder of glycosylation. Last evaluated: 2025-08-29. Review status: criteria provided, single submitter. Criteria: Invitae Variant Classification Sherloc (09022015). Collection method: clinical testing. Allele origin: germline.
Comment: This sequence change replaces valine, which is neutral and non-polar, with methionine, which is neutral and non-polar, at codon 521 of the COG4 protein (p.Val521Met). This variant is present in population databases (rs747240944, gnomAD 0.04%). This variant has not been reported in the literature in individuals affected with COG4-related conditions. ClinVar contains an entry for this variant (Variation ID: 2211728). An algorithm developed to predict the effect of missense changes on protein structure and function (PolyPhen-2) suggests that this variant is likely to be disruptive. In summary, the available evidence is currently insufficient to determine the role of this variant in disease. Therefore, it has been classified as a Variant of Uncertain Significance.

NM_015386.3(COG4):c.1561G>A (p.Val521Met)

Gene: COG4 (component of oligomeric golgi complex 4; minus strand). Cytogenetic location: 16q22.1.
Variant type: single nucleotide variant.
Coding change: c.1561G>A on transcript NM_015386.3 (MANE Select); coding-DNA position 1561, G replaced by A.
Protein change: p.Val521Met; replaces valine 521 with methionine.
Molecular consequence: missense variant. On other transcripts: non-coding transcript variant (1).
Genome position (GRCh38, 1-based): chr16:70,496,352, C>T on the plus strand (G>A on the coding strand, the complement: COG4 is on the minus strand). VCF-style: chr16-70496352-C-T. GRCh37 (hg19) VCF-style: chr16-70530255-C-T.
Other names: c.1549G>A, p.Val517Met (NM_001195139.2); c.1135G>A, p.Val379Met (NM_001365426.1); short protein forms V379M, V521M, V517M.
Identifiers: ClinVar variation 2211728 (VCV002211728.4), dbSNP rs747240944, ClinGen allele CA8144294.